The following is an entry in ClinVar:

NM_001999.4(FBN2):c.844G>T (p.Ala282Ser)

Gene: FBN2 (fibrillin 2; minus strand). Cytogenetic location: 5q23.3.
Variant type: single nucleotide variant.
Coding change: c.844G>T on transcript NM_001999.4 (MANE Select); coding-DNA position 844, G replaced by T.
Protein change: p.Ala282Ser; replaces alanine 282 with serine.
Molecular consequence: missense variant.
Genome position (GRCh38, 1-based): chr5:128,446,589, C>A on the plus strand (G>T on the coding strand, the complement: FBN2 is on the minus strand). VCF-style: chr5-128446589-C-A. GRCh37 (hg19) VCF-style: chr5-127782282-C-A.
Other names: short protein forms A282S.
Identifiers: ClinVar variation 2770328 (VCV002770328.3), dbSNP rs772005485, ClinGen allele CA360752119.

ClinVar aggregate classification (germline): Uncertain significance (1 of 4 stars; one submission).

Conditions:
Congenital contractural arachnodactyly (CCA). Also called: BEALS SYNDROME; Arthrogryposis, distal, type 9; Beals-Hecht syndrome. Identifiers: Orphanet 115, MedGen C0220668, MONDO:0007363, OMIM 121050.

Submission:

Labcorp Genetics (formerly Invitae), Labcorp
Classification: Uncertain significance for Congenital contractural arachnodactyly. Last evaluated: 2023-10-20. Review status: criteria provided, single submitter. Criteria: Invitae Variant Classification Sherloc (09022015). Collection method: clinical testing. Allele origin: germline.
Comment: This sequence change replaces alanine, which is neutral and non-polar, with serine, which is neutral and polar, at codon 282 of the FBN2 protein (p.Ala282Ser). This variant is not present in population databases (gnomAD no frequency). This variant has not been reported in the literature in individuals affected with FBN2-related conditions. Advanced modeling of protein sequence and biophysical properties (such as structural, functional, and spatial information, amino acid conservation, physicochemical variation, residue mobility, and thermodynamic stability) performed at Invitae indicates that this missense variant is not expected to disrupt FBN2 protein function. In summary, the available evidence is currently insufficient to determine the role of this variant in disease. Therefore, it has been classified as a Variant of Uncertain Significance.